The following is an entry in ClinVar:

NM_012434.5(SLC17A5):c.22C>G (p.Leu8Val)

Genes: SLC17A5 (solute carrier family 17 member 5; minus strand), LOC129996727 (ATAC-STARR-seq lymphoblastoid silent region 17338; plus strand). Cytogenetic location: 6q13.
Variant type: single nucleotide variant.
Coding change: c.22C>G on transcript NM_012434.5 (MANE Select); coding-DNA position 22, C replaced by G.
Protein change: p.Leu8Val; replaces leucine 8 with valine.
Molecular consequence: missense variant. On other transcripts: 5 prime UTR variant (2).
Genome position (GRCh38, 1-based): chr6:73,653,865, G>C on the plus strand (C>G on the coding strand, the complement: SLC17A5 is on the minus strand). VCF-style: chr6-73653865-G-C. GRCh37 (hg19) VCF-style: chr6-74363588-G-C.
Other names: c.-13C>G (NM_001382629.1, NM_001382636.1); c.22C>G, p.Leu8Val (NM_001382630.1, NM_001382631.1, NM_001382632.1 and 3 more transcripts); short protein forms L8V.
Identifiers: ClinVar variation 1929154 (VCV001929154.3), dbSNP rs2533550325, ClinGen allele CA364720265.
Genomic context (GRCh38, chr6:73,653,865, plus strand): 5'-GTGGGGCGCCCGGTAGAAGAGGCGTGCGGTCCGTGCTCTCCTCGCCATCGTTCCGGGCCA[G>C]GTCTCGAACCGGAGACCTCATGACGCCTACGTGAGCAGGTGTACTCGCCACCTGGCAGAG-3'
Protein context (NP_036566.1, residues 1-18): MRSPVRD[Leu8Val]ARNDGEESTD

ClinVar aggregate classification (germline): Uncertain significance (1 of 4 stars; one submission).

Conditions:
Salla disease (SD). Also called: Less Severe FSASD (Salla Disease); Sialuria, Finnish type; N-acetylneuraminic acid (NANA) storage disease (NSD); Infantile sialic acid storage disorder (ISSD). Identifiers: Orphanet 309334, Orphanet 834, MedGen C1096903, MONDO:0011449, OMIM 604369.

Submission:

Labcorp Genetics (formerly Invitae), Labcorp
Classification: Uncertain significance for Salla disease. Last evaluated: 2022-10-23. Review status: criteria provided, single submitter. Criteria: Invitae Variant Classification Sherloc (09022015). Collection method: clinical testing. Allele origin: germline.
Comment: Algorithms developed to predict the effect of missense changes on protein structure and function (SIFT, PolyPhen-2, Align-GVGD) all suggest that this variant is likely to be tolerated. This variant has not been reported in the literature in individuals affected with SLC17A5-related conditions. This variant is not present in population databases (gnomAD no frequency). This sequence change replaces leucine, which is neutral and non-polar, with valine, which is neutral and non-polar, at codon 8 of the SLC17A5 protein (p.Leu8Val). In summary, the available evidence is currently insufficient to determine the role of this variant in disease. Therefore, it has been classified as a Variant of Uncertain Significance.